The following is an entry in ClinVar:

ClinVar aggregate classification (germline): Uncertain significance (1 of 4 stars; one submission).

Allele frequency attached by ClinVar (database versions not stated): gnomAD exomes below 0.00001; TOPMed 0.00003.
gnomAD v4.1: 8 of 1,613,984 alleles (0.0005%); highest among the groups gnomAD compares: Non-Finnish European, 0.00051%; no homozygotes.

Submission:

GeneDx
Classification: Uncertain significance. Last evaluated: 2018-11-29. Review status: criteria provided, single submitter. Criteria: GeneDx Variant Classification Process June 2021. Collection method: clinical testing. Allele origin: germline. Affected: yes.
Comment: Not observed in large population cohorts (Lek et al., 2016); The majority of missense variants in this gene are considered pathogenic (Stenson et al., 2014); In silico analysis, which includes protein predictors and evolutionary conservation, supports a deleterious effect; Has not been previously published as pathogenic or benign to our knowledge; Predicted to occur within the intracellular loop between the S6 of the second homologous domain and S1 transmembrane segments of the third homologous domain

NM_001040142.2(SCN2A):c.3017C>T (p.Ala1006Val)

Gene: SCN2A (sodium voltage-gated channel alpha subunit 2; plus strand). Cytogenetic location: 2q24.3.
Variant type: single nucleotide variant.
Coding change: c.3017C>T on transcript NM_001040142.2 (MANE Select); coding-DNA position 3017, C replaced by T.
Protein change: p.Ala1006Val; replaces alanine 1006 with valine.
Molecular consequence: missense variant.
Genome position (GRCh38, 1-based): chr2:165,354,289, C>T. VCF-style: chr2-165354289-C-T. GRCh37 (hg19) VCF-style: chr2-166210799-C-T.
Other names: c.3017C>T, p.Ala1006Val (NM_001040143.2, NM_001371246.1, NM_001371247.1 and 1 more transcripts); short protein forms A1006V.
Identifiers: ClinVar variation 1219068 (VCV001219068.3), dbSNP rs1700072264, ClinGen allele CA349019718.